The following is an entry in ClinVar:

NM_001080467.3(MYO5B):c.3150T>C (p.Ser1050=)

Gene: MYO5B (myosin VB; minus strand). Cytogenetic location: 18q21.1.
Variant type: single nucleotide variant.
Coding change: c.3150T>C on transcript NM_001080467.3 (MANE Select); coding-DNA position 3150, T replaced by C.
Protein change: p.Ser1050=; no amino-acid change (serine 1050 retained).
Molecular consequence: synonymous variant.
Genome position (GRCh38, 1-based): chr18:49,879,071, A>G on the plus strand (T>C on the coding strand, the complement: MYO5B is on the minus strand). VCF-style: chr18-49879071-A-G. GRCh37 (hg19) VCF-style: chr18-47405441-A-G.
Identifiers: ClinVar variation 3039268 (VCV003039268.2), dbSNP rs1163445641, ClinGen allele CA503861035.
Genomic context (GRCh38, chr18:49,879,071, plus strand): 5'-AAGGTTCTGGTACCGGGATCGCTCCTCCTCCAGTTCTTTCTTCATGAGATTTTCCTTCAC[A>G]GAGTTCTGGGCAAATTCATCTGGAAAGCAACACGCTAAGCTGCAGTTTTTCTGGATGGAT-3'
Protein context (NP_001073936.1, residues 1040-1060): CQSKDEFAQN[Ser1050=]VKENLMKKEL

ClinVar aggregate classification (germline): Likely benign (0 of 4 stars; one submission).

Conditions:
MYO5B-related disorder. Also called: MYO5B-related condition.

Allele frequency attached by ClinVar (database versions not stated): TOPMed below 0.00001.
gnomAD v4.1: 10 of 1,614,104 alleles (0.00062%); highest among the groups gnomAD compares: Non-Finnish European, 0.00085%; no homozygotes.

Submission:

PreventionGenetics, part of Exact Sciences
Classification: Likely benign for MYO5B-related condition. Last evaluated: 2024-01-02. Review status: no assertion criteria provided. Collection method: clinical testing. Allele origin: germline.
Comment: This variant is classified as likely benign based on ACMG/AMP sequence variant interpretation guidelines (Richards et al. 2015 PMID: 25741868, with internal and published modifications).